The following is an entry in ClinVar:

NM_001145860.2(POP1):c.503A>G (p.His168Arg)

Gene: POP1 (POP1 ribonuclease P/MRP subunit; plus strand). Cytogenetic location: 8q22.2.
Variant type: single nucleotide variant.
Coding change: c.503A>G on transcript NM_001145860.2 (MANE Select); coding-DNA position 503, A replaced by G.
Protein change: p.His168Arg; replaces histidine 168 with arginine.
Molecular consequence: missense variant.
Genome position (GRCh38, 1-based): chr8:98,129,994, A>G. VCF-style: chr8-98129994-A-G. GRCh37 (hg19) VCF-style: chr8-99142222-A-G.
Other names: c.503A>G, p.His168Arg (NM_001145861.2, NM_015029.3); short protein forms H168R.
Identifiers: ClinVar variation 1410275 (VCV001410275.7), dbSNP rs776783985, ClinGen allele CA4820341.

ClinVar aggregate classification (germline): Uncertain significance (1 of 4 stars; one submission).

Allele frequency attached by ClinVar (database versions not stated): ExAC 0.00001; gnomAD 0.00001; gnomAD exomes 0.00001 and 0.00004; TOPMed 0.00001.
gnomAD v4.1: 61 of 1,613,998 alleles (0.0038%); highest among the groups gnomAD compares: Non-Finnish European, 0.0049%; no homozygotes.

Submission:

Labcorp Genetics (formerly Invitae), Labcorp
Classification: Uncertain significance. Last evaluated: 2022-12-06. Review status: criteria provided, single submitter. Criteria: Invitae Variant Classification Sherloc (09022015). Collection method: clinical testing. Allele origin: germline.
Comment: This sequence change replaces histidine, which is basic and polar, with arginine, which is basic and polar, at codon 168 of the POP1 protein (p.His168Arg). This variant is present in population databases (rs776783985, gnomAD 0.002%). This variant has not been reported in the literature in individuals affected with POP1-related conditions. ClinVar contains an entry for this variant (Variation ID: 1410275). Algorithms developed to predict the effect of missense changes on protein structure and function are either unavailable or do not agree on the potential impact of this missense change (SIFT: "Tolerated"; PolyPhen-2: "Probably Damaging"; Align-GVGD: "Class C0"). In summary, the available evidence is currently insufficient to determine the role of this variant in disease. Therefore, it has been classified as a Variant of Uncertain Significance.